The following is an entry in ClinVar:

NM_138386.3(NAF1):c.482A>G (p.Gln161Arg)

Gene: NAF1 (nuclear assembly factor 1 ribonucleoprotein; minus strand). Cytogenetic location: 4q32.2.
Variant type: single nucleotide variant.
Coding change: c.482A>G on transcript NM_138386.3 (MANE Select); coding-DNA position 482, A replaced by G.
Protein change: p.Gln161Arg; replaces glutamine 161 with arginine.
Molecular consequence: missense variant.
Genome position (GRCh38, 1-based): chr4:163,164,275, T>C on the plus strand (A>G on the coding strand, the complement: NAF1 is on the minus strand). VCF-style: chr4-163164275-T-C. GRCh37 (hg19) VCF-style: chr4-164085427-T-C.
Other names: c.482A>G, p.Gln161Arg (NM_001128931.2); short protein forms Q161R.
Identifiers: ClinVar variation 2751721 (VCV002751721.3), dbSNP rs2477342584, ClinGen allele CA358661188.
Genomic context (GRCh38, chr4:163,164,275, plus strand): 5'-ACATTAAGAAGTAATTCATCTTTTGTTTTAAGAGGAAAATTCTTATTTTCCTTCTCAATT[T>C]GTAAATCATCATCTCCATCTGACAGCACTGGAGGAAGTGATATACAAGAGGAAGAAGACG-3'
Protein context (NP_612395.2, residues 151-171): PVLSDGDDDL[Gln161Arg]IEKENKNFPL

ClinVar aggregate classification (germline): Uncertain significance (1 of 4 stars; one submission).

Submission:

Labcorp Genetics (formerly Invitae), Labcorp
Classification: Uncertain significance. Last evaluated: 2024-11-04. Review status: criteria provided, single submitter. Criteria: Invitae Variant Classification Sherloc (09022015). Collection method: clinical testing. Allele origin: germline.
Comment: This sequence change replaces glutamine, which is neutral and polar, with arginine, which is basic and polar, at codon 161 of the NAF1 protein (p.Gln161Arg). This variant is not present in population databases (gnomAD no frequency). This variant has not been reported in the literature in individuals affected with NAF1-related conditions. ClinVar contains an entry for this variant (Variation ID: 2751721). An algorithm developed to predict the effect of missense changes on protein structure and function (PolyPhen-2) suggests that this variant is likely to be tolerated. In summary, the available evidence is currently insufficient to determine the role of this variant in disease. Therefore, it has been classified as a Variant of Uncertain Significance.